The following is an entry in ClinVar:

ClinVar aggregate classification (germline): Uncertain significance (1 of 4 stars; one submission).

Conditions:
Ataxia-telangiectasia syndrome (AT). Also called: LOUIS-BAR SYNDROME; Cerebello-oculocutaneous telangiectasia; Immunodeficiency with ataxia telangiectasia; Ataxia telangiectasia (A-T); ATAXIA-TELANGIECTASIA, FRESNO VARIANT; Ataxia-telangiectasia. Identifiers: Orphanet 100, MedGen C0004135, MONDO:0008840, OMIM 208900.

Submission:

Labcorp Genetics (formerly Invitae), Labcorp
Classification: Uncertain significance for Ataxia-telangiectasia syndrome. Last evaluated: 2025-07-14. Review status: criteria provided, single submitter. Criteria: Invitae Variant Classification Sherloc (09022015). Collection method: clinical testing. Allele origin: germline.
Comment: This sequence change replaces isoleucine, which is neutral and non-polar, with leucine, which is neutral and non-polar, at codon 10 of the ATM protein (p.Ile10Leu). This variant is not present in population databases (gnomAD no frequency). This variant has not been reported in the literature in individuals affected with ATM-related conditions. Invitae Evidence Modeling of protein sequence and biophysical properties (such as structural, functional, and spatial information, amino acid conservation, physicochemical variation, residue mobility, and thermodynamic stability) indicates that this missense variant is not expected to disrupt ATM protein function with a negative predictive value of 95%. In summary, the available evidence is currently insufficient to determine the role of this variant in disease. Therefore, it has been classified as a Variant of Uncertain Significance.

NM_000051.4(ATM):c.28A>C (p.Ile10Leu)

Gene: ATM (ATM serine/threonine kinase; plus strand). Cytogenetic location: 11q22.3.
Variant type: single nucleotide variant.
Coding change: c.28A>C on transcript NM_000051.4 (MANE Select); coding-DNA position 28, A replaced by C.
Protein change: p.Ile10Leu; replaces isoleucine 10 with leucine.
Molecular consequence: missense variant.
Genome position (GRCh38, 1-based): chr11:108,227,652, A>C. VCF-style: chr11-108227652-A-C. GRCh37 (hg19) VCF-style: chr11-108098379-A-C.
Other names: c.28A>C, p.Ile10Leu (NM_001351834.2, NM_001351835.2, NM_001351836.2); short protein forms I10L.
Identifiers: ClinVar variation 4800505 (VCV004800505.1).